The following is an entry in ClinVar:

NC_000005.9:g.(?_89854713)_(89854754_?)del

Gene: ADGRV1 (adhesion G protein-coupled receptor V1; plus strand). Cytogenetic location: 5q14.3.
Variant type: Deletion.
Identifiers: ClinVar variation 2427007 (VCV002427007.4).

ClinVar aggregate classification (germline): Pathogenic (1 of 4 stars; one submission).

Submission:

Labcorp Genetics (formerly Invitae), Labcorp
Classification: Pathogenic. Last evaluated: 2024-01-04. Review status: criteria provided, single submitter. Criteria: Invitae Variant Classification Sherloc (09022015). Collection method: clinical testing. Allele origin: germline.
Comment: This variant is a gross deletion of the genomic region encompassing exon(s) 1 of the ADGRV1 gene, which includes the initiator codon. This deletion extends beyond the assayed region for this gene and therefore may encompass additional genes. It is expected to result in an absent or disrupted protein product. Loss-of-function variants in ADGRV1 are known to be pathogenic (PMID: 19357117, 22135276, 22147658, 26226137, 30718709, 31047384, 32467589). This variant has not been reported in the literature in individuals affected with ADGRV1-related conditions. For these reasons, this variant has been classified as Pathogenic.

Literature cited by the submitters: PubMed 19357117; PubMed 22135276; PubMed 22147658; PubMed 26226137; PubMed 30718709; PubMed 31047384; PubMed 32467589.